The following is an entry in ClinVar:

ClinVar aggregate classification (germline): Likely benign. Review status: criteria provided, single submitter (1 of 4 stars). 2 submissions from 2 submitters: Likely benign (1). 1 of the submissions does not count toward it. Last evaluated 2024-10-14.

Conditions:
SLC25A26-related disorder. Also called: SLC25A26-related condition.

Allele frequency attached by ClinVar (database versions not stated): gnomAD 0.00011; ExAC 0.00034.
gnomAD v4.1: 41 of 1,460,088 alleles (0.0028%); highest among the groups gnomAD compares: Admixed American, 0.028%; no homozygotes.

Submissions (2):

Blueprint Genetics
Classification: Likely benign. Last evaluated: 2024-10-14. Review status: criteria provided, single submitter. Criteria: ACMG Guidelines, 2015. Collection method: clinical testing. Allele origin: germline.

PreventionGenetics, part of Exact Sciences
Classification: Likely benign for SLC25A26-related condition. Last evaluated: 2019-03-18. Review status: no assertion criteria provided. Collection method: clinical testing. Allele origin: germline. Not counted in ClinVar's aggregate classification.
Comment: This variant is classified as likely benign based on ACMG/AMP sequence variant interpretation guidelines (Richards et al. 2015 PMID: 25741868, with internal and published modifications).

NM_001379210.1(SLC25A26):c.42G>A (p.Gly14=)

Gene: SLC25A26 (solute carrier family 25 member 26; plus strand). Cytogenetic location: 3p14.1.
Variant type: single nucleotide variant.
Coding change: c.42G>A on transcript NM_001379210.1 (MANE Select); coding-DNA position 42, G replaced by A.
Protein change: p.Gly14=; no amino-acid change (glycine 14 retained).
Molecular consequence: synonymous variant. On other transcripts: 5 prime UTR variant (2), non-coding transcript variant (8), intron variant (3).
Genome position (GRCh38, 1-based): chr3:66,236,552, G>A. VCF-style: chr3-66236552-G-A. GRCh37 (hg19) VCF-style: chr3-66286976-G-A.
Other names: c.-223G>A (NM_001400711.1, NM_001350993.1); c.42G>A, p.Gly14= (NM_173471.4, NM_001009937.1, NM_001400705.1 and 1 more transcripts); c.-74-6651G>A (NM_001164796.1, NM_001400709.1, NM_001400714.1).
Identifiers: ClinVar variation 3045209 (VCV003045209.3), dbSNP rs782542054, ClinGen allele CA2483598.